The following is an entry in ClinVar:

ClinVar aggregate classification (germline): Uncertain significance (1 of 4 stars; one submission).

Allele frequency attached by ClinVar (database versions not stated): gnomAD exomes below 0.00001; ExAC 0.00001; gnomAD 0.00001.
gnomAD v4.1: 8 of 1,614,052 alleles (0.0005%); highest among the groups gnomAD compares: South Asian, 0.0011%; no homozygotes.

Submission:

Labcorp Genetics (formerly Invitae), Labcorp
Classification: Uncertain significance. Last evaluated: 2021-11-22. Review status: criteria provided, single submitter. Criteria: Invitae Variant Classification Sherloc (09022015). Collection method: clinical testing. Allele origin: germline.
Comment: In summary, the available evidence is currently insufficient to determine the role of this variant in disease. Therefore, it has been classified as a Variant of Uncertain Significance. Algorithms developed to predict the effect of missense changes on protein structure and function are either unavailable or do not agree on the potential impact of this missense change (SIFT: "Deleterious"; PolyPhen-2: "Probably Damaging"; Align-GVGD: "Class C0"). This variant is present in population databases (rs780925650, gnomAD 0.0009%). ClinVar contains an entry for this variant (Variation ID: 962348). This variant has not been reported in the literature in individuals affected with SNRNP200-related conditions. This sequence change replaces arginine, which is basic and polar, with tryptophan, which is neutral and slightly polar, at codon 739 of the SNRNP200 protein (p.Arg739Trp).

NM_014014.5(SNRNP200):c.2215C>T (p.Arg739Trp)

Gene: SNRNP200 (small nuclear ribonucleoprotein U5 subunit 200; minus strand). Cytogenetic location: 2q11.2.
Variant type: single nucleotide variant.
Coding change: c.2215C>T on transcript NM_014014.5 (MANE Select); coding-DNA position 2215, C replaced by T.
Protein change: p.Arg739Trp; replaces arginine 739 with tryptophan.
Molecular consequence: missense variant.
Genome position (GRCh38, 1-based): chr2:96,291,846, G>A on the plus strand (C>T on the coding strand, the complement: SNRNP200 is on the minus strand). VCF-style: chr2-96291846-G-A. GRCh37 (hg19) VCF-style: chr2-96957584-G-A.
Other names: short protein forms R739W.
Identifiers: ClinVar variation 962348 (VCV000962348.7), dbSNP rs780925650, ClinGen allele CA1778746.